The following is an entry in ClinVar:

ClinVar aggregate classification (germline): Uncertain significance (1 of 4 stars; one submission).

Allele frequency attached by ClinVar (database versions not stated): gnomAD exomes below 0.00001.
gnomAD v4.1: 1 of 1,613,844 alleles (0.000062%); no homozygotes.

Submission:

Labcorp Genetics (formerly Invitae), Labcorp
Classification: Uncertain significance. Last evaluated: 2019-12-03. Review status: criteria provided, single submitter. Criteria: Invitae Variant Classification Sherloc (09022015). Collection method: clinical testing. Allele origin: germline.
Comment: Algorithms developed to predict the effect of missense changes on protein structure and function are either unavailable or do not agree on the potential impact of this missense change (SIFT: "Deleterious"; PolyPhen-2: "Benign"; Align-GVGD: "Class C0"). In summary, the available evidence is currently insufficient to determine the role of this variant in disease. Therefore, it has been classified as a Variant of Uncertain Significance. This variant has not been reported in the literature in individuals with LZTFL1-related conditions. This variant is not present in population databases (ExAC no frequency). This sequence change replaces serine with leucine at codon 183 of the LZTFL1 protein (p.Ser183Leu). The serine residue is moderately conserved and there is a large physicochemical difference between serine and leucine.

NM_020347.4(LZTFL1):c.548C>T (p.Ser183Leu)

Gene: LZTFL1 (leucine zipper transcription factor like 1; minus strand). Cytogenetic location: 3p21.31.
Variant type: single nucleotide variant.
Coding change: c.548C>T on transcript NM_020347.4 (MANE Select); coding-DNA position 548, C replaced by T.
Protein change: p.Ser183Leu; replaces serine 183 with leucine.
Molecular consequence: missense variant. On other transcripts: non-coding transcript variant (1).
Genome position (GRCh38, 1-based): chr3:45,830,965, G>A on the plus strand (C>T on the coding strand, the complement: LZTFL1 is on the minus strand). VCF-style: chr3-45830965-G-A. GRCh37 (hg19) VCF-style: chr3-45872457-G-A.
Other names: c.497C>T, p.Ser166Leu (NM_001276378.2, NM_001386451.1); c.536C>T, p.Ser179Leu (NM_001276379.2); c.548C>T, p.Ser183Leu (NM_001386452.1); short protein forms S166L, S179L, S183L.
Identifiers: ClinVar variation 854500 (VCV000854500.6), dbSNP rs1700798215, ClinGen allele CA352450138.